The following is an entry in ClinVar:

NM_000018.4(ACADVL):c.13C>G (p.Arg5Gly)

Genes: ACADVL (acyl-CoA dehydrogenase very long chain; plus strand), DLG4 (discs large MAGUK scaffold protein 4; minus strand). Cytogenetic location: 17p13.1.
Variant type: single nucleotide variant.
Coding change: c.13C>G on transcript NM_000018.4 (MANE Select); coding-DNA position 13, C replaced by G.
Protein change: p.Arg5Gly; replaces arginine 5 with glycine.
Molecular consequence: missense variant. On other transcripts: 5 prime UTR variant (2), non-coding transcript variant (1), intron variant (1).
Genome position (GRCh38, 1-based): chr17:7,219,997, C>G. VCF-style: chr17-7219997-C-G. GRCh37 (hg19) VCF-style: chr17-7123316-C-G.
Other names: c.-1148G>C (NM_001321074.1); c.13C>G, p.Arg5Gly (NM_001033859.3); c.-291C>G (NM_001270448.2); c.132-125C>G (NM_001270447.2); short protein forms R5G.
Identifiers: ClinVar variation 1488809 (VCV001488809.4), dbSNP rs747672165, ClinGen allele CA8337510.
Genomic context (GRCh38, chr17:7,219,997, plus strand): 5'-CAGAGCTGGGTCAGAGCTCGAGCCAGCGGCGCCCGGAGAGATTCGGAGATGCAGGCGGCT[C>G]GGATGGCCGCGAGCTTGGGGCGGCAGCTGCTGAGGCTCGGGGGCGGAAGGTCTGTGTGTG-3'
Protein context (NP_000009.1, residues 1-15): MQAA[Arg5Gly]MAASLGRQLL

ClinVar aggregate classification (germline): Uncertain significance (1 of 4 stars; one submission).

Conditions:
Very long chain acyl-CoA dehydrogenase deficiency (ACADVLD). Also called: VLCAD Deficiency; Very Long-Chain Acyl-Coenzyme A Dehydrogenase Deficiency. Identifiers: Orphanet 26793, MedGen C3887523, MONDO:0008723, OMIM 201475.

Allele frequency attached by ClinVar (database versions not stated): ExAC 0.00001; gnomAD exomes below 0.00001; TOPMed below 0.00001.
gnomAD v4.1: 1 of 1,603,212 alleles (0.000062%); highest among the groups gnomAD compares: East Asian, 0.0022%; no homozygotes.

Submission:

Labcorp Genetics (formerly Invitae), Labcorp
Classification: Uncertain significance for Very long chain acyl-CoA dehydrogenase deficiency. Last evaluated: 2021-09-30. Review status: criteria provided, single submitter. Criteria: Invitae Variant Classification Sherloc (09022015). Collection method: clinical testing. Allele origin: germline.
Comment: This sequence change replaces arginine with glycine at codon 5 of the ACADVL protein (p.Arg5Gly). The arginine residue is highly conserved and there is a moderate physicochemical difference between arginine and glycine. This variant is present in population databases (rs747672165, ExAC 0.02%). This variant has not been reported in the literature in individuals affected with ACADVL-related conditions. Algorithms developed to predict the effect of missense changes on protein structure and function are either unavailable or do not agree on the potential impact of this missense change (SIFT: "Tolerated"; PolyPhen-2: "Not Available"; Align-GVGD: "Class C0"). In summary, the available evidence is currently insufficient to determine the role of this variant in disease. Therefore, it has been classified as a Variant of Uncertain Significance.